The following is an entry in ClinVar:

ClinVar aggregate classification (germline): Likely pathogenic (1 of 4 stars; one submission).

Submission:

Labcorp Genetics (formerly Invitae), Labcorp
Classification: Likely pathogenic. Last evaluated: 2024-11-05. Review status: criteria provided, single submitter. Criteria: Invitae Variant Classification Sherloc (09022015). Collection method: clinical testing. Allele origin: germline.
Comment: This variant results in the deletion of part of exon 28 (c.3692_3693+13del) of the DUOX2 gene. It is expected to disrupt RNA splicing. Variants that disrupt the donor or acceptor splice site typically lead to a loss of protein function (PMID: 16199547), and loss-of-function variants in DUOX2 are known to be pathogenic (PMID: 12110737, 18765513, 21565790, 24423310, 24735383). This variant is not present in population databases (gnomAD no frequency). This variant has not been reported in the literature in individuals affected with DUOX2-related conditions. ClinVar contains an entry for this variant (Variation ID: 2977813). In summary, the currently available evidence indicates that the variant is pathogenic, but additional data are needed to prove that conclusively. Therefore, this variant has been classified as Likely Pathogenic.

Literature cited by the submitters: PubMed 16199547; PubMed 12110737; PubMed 18765513; PubMed 21565790; PubMed 24423310; PubMed 24735383.

NM_001363711.2(DUOX2):c.3692_3693+13del

Gene: DUOX2 (dual oxidase 2; minus strand). Cytogenetic location: 15q21.1.
Variant type: Deletion.
Coding change: c.3692_3693+13del on transcript NM_001363711.2 (MANE Select); coding-DNA position 3692 through 13 bases into the intron after coding-DNA position 3693, 15 bases deleted (TGGTGAGGGACTTCC).
Molecular consequence: splice donor variant.
Genome position (GRCh38, 1-based): chr15:45,097,601-45,097,615, GGAAGTCCCTCACCA deleted on the plus strand (TGGTGAGGGACTTCC on the coding strand, the reverse complement: DUOX2 is on the minus strand); deleting any 15 consecutive bases within chr15:45,097,601-45,097,617 gives the same sequence; the c. name uses the placement nearest the transcript's 3' end. VCF-style (leftmost placement, unchanged base first): chr15-45097600-GGGAAGTCCCTCACCA-G. GRCh37 (hg19) VCF-style: chr15-45389798-GGGAAGTCCCTCACCA-G.
Other names: c.3692_3693+13del (NM_014080.5).
Identifiers: ClinVar variation 2977813 (VCV002977813.3), dbSNP rs1893939580, ClinGen allele CA2173940307.